The following is an entry in ClinVar:

ClinVar aggregate classification (germline): Uncertain significance. Review status: criteria provided, multiple submitters, no conflicts (2 of 4 stars). 2 submissions from 2 submitters: Uncertain significance (2). Last evaluated 2025-11-28.

Allele frequency attached by ClinVar (database versions not stated): TOPMed 0.00001.
gnomAD v4.1: 2 of 1,614,146 alleles (0.00012%); no homozygotes.

Submissions (2):

Labcorp Genetics (formerly Invitae), Labcorp
Classification: Uncertain significance. Last evaluated: 2025-11-28. Review status: criteria provided, single submitter. Criteria: Invitae Variant Classification Sherloc (09022015). Collection method: clinical testing. Allele origin: germline.
Comment: This sequence change replaces valine, which is neutral and non-polar, with alanine, which is neutral and non-polar, at codon 407 of the SCN3A protein (p.Val407Ala). This variant is not present in population databases (gnomAD no frequency). This variant has not been reported in the literature in individuals affected with SCN3A-related conditions. ClinVar contains an entry for this variant (Variation ID: 2136217). Invitae Evidence Modeling of protein sequence and biophysical properties (such as structural, functional, and spatial information, amino acid conservation, physicochemical variation, residue mobility, and thermodynamic stability) indicates that this missense variant is expected to disrupt SCN3A protein function with a positive predictive value of 80%. In summary, the available evidence is currently insufficient to determine the role of this variant in disease. Therefore, it has been classified as a Variant of Uncertain Significance.

GeneDx
Classification: Uncertain significance. Last evaluated: 2023-02-09. Review status: criteria provided, single submitter. Criteria: GeneDx Variant Classification Process June 2021. Collection method: clinical testing. Allele origin: germline. Affected: yes.
Comment: Not observed at significant frequency in large population cohorts (gnomAD); In silico analysis supports that this missense variant has a deleterious effect on protein structure/function; Has not been previously published as pathogenic or benign to our knowledge

NM_006922.4(SCN3A):c.1220T>C (p.Val407Ala)

Gene: SCN3A (sodium voltage-gated channel alpha subunit 3; minus strand). Cytogenetic location: 2q24.3.
Variant type: single nucleotide variant.
Coding change: c.1220T>C on transcript NM_006922.4 (MANE Select); coding-DNA position 1220, T replaced by C.
Protein change: p.Val407Ala; replaces valine 407 with alanine.
Molecular consequence: missense variant.
Genome position (GRCh38, 1-based): chr2:165,154,612, A>G on the plus strand (T>C on the coding strand, the complement: SCN3A is on the minus strand). VCF-style: chr2-165154612-A-G. GRCh37 (hg19) VCF-style: chr2-166011122-A-G.
Other names: c.1220T>C, p.Val407Ala (NM_001081676.2, NM_001081677.2); short protein forms V407A.
Identifiers: ClinVar variation 2136217 (VCV002136217.5), dbSNP rs1688903701, ClinGen allele CA349238234.